The following is an entry in ClinVar:

NM_001367624.2(ZNF469):c.9988G>A (p.Glu3330Lys)

Genes: ZNF469 (zinc finger protein 469; plus strand), LOC130059719 (ATAC-STARR-seq lymphoblastoid silent region 7848; plus strand). Cytogenetic location: 16q24.2.
Variant type: single nucleotide variant.
Coding change: c.9988G>A on transcript NM_001367624.2 (MANE Select); coding-DNA position 9988, G replaced by A.
Protein change: p.Glu3330Lys; replaces glutamic acid 3330 with lysine.
Molecular consequence: missense variant.
Genome position (GRCh38, 1-based): chr16:88,437,458, G>A. VCF-style: chr16-88437458-G-A. GRCh37 (hg19) VCF-style: chr16-88503866-G-A.
Other names: NM_001127464.1:c.9904G>A; short protein forms E3330K.
Identifiers: ClinVar variation 2104584 (VCV002104584.2), dbSNP rs1311834801, ClinGen allele CA397125381.

ClinVar aggregate classification (germline): Uncertain significance. Review status: criteria provided, multiple submitters, no conflicts (2 of 4 stars). 2 submissions from 2 submitters: Uncertain significance (2). Last evaluated 2026-08-24.

Conditions:
Cardiovascular phenotype. Identifiers: MedGen CN230736.

Allele frequency attached by ClinVar (database versions not stated): TOPMed below 0.00001.
gnomAD v4.1: 4 of 1,529,738 alleles (0.00026%); highest among the groups gnomAD compares: South Asian, 0.0024%; no homozygotes.

Submissions (2):

Ambry Genetics
Classification: Uncertain significance for Cardiovascular phenotype. Last evaluated: 2026-08-24. Review status: criteria provided, single submitter. Criteria: Ambry Variant Classification Scheme 2023. Collection method: clinical testing. Allele origin: germline.
Comment: The p.E3302K variant (also known as c.9904G>A), located in coding exon 2 of the ZNF469 gene, results from a G to A substitution at nucleotide position 9904. The glutamic acid at codon 3302 is replaced by lysine, an amino acid with similar properties. This amino acid position is conserved. In addition, this alteration is predicted to be tolerated by in silico analysis. Based on the available evidence, the clinical significance of this variant remains unclear.

Labcorp Genetics (formerly Invitae), Labcorp
Classification: Uncertain significance. Last evaluated: 2022-07-25. Review status: criteria provided, single submitter. Criteria: Invitae Variant Classification Sherloc (09022015). Collection method: clinical testing. Allele origin: germline.
Comment: This sequence change replaces glutamic acid, which is acidic and polar, with lysine, which is basic and polar, at codon 3302 of the ZNF469 protein (p.Glu3302Lys). This variant is not present in population databases (gnomAD no frequency). This variant has not been reported in the literature in individuals affected with ZNF469-related conditions. Algorithms developed to predict the effect of missense changes on protein structure and function (SIFT, PolyPhen-2, Align-GVGD) all suggest that this variant is likely to be tolerated. In summary, the available evidence is currently insufficient to determine the role of this variant in disease. Therefore, it has been classified as a Variant of Uncertain Significance.